The following is an entry in ClinVar:

NM_000384.3(APOB):c.12722T>C (p.Ile4241Thr)

Gene: APOB (apolipoprotein B; minus strand). Cytogenetic location: 2p24.1.
Variant type: single nucleotide variant.
Coding change: c.12722T>C on transcript NM_000384.3 (MANE Select); coding-DNA position 12722, T replaced by C.
Protein change: p.Ile4241Thr; replaces isoleucine 4241 with threonine.
Molecular consequence: missense variant.
Genome position (GRCh38, 1-based): chr2:21,002,700, A>G on the plus strand (T>C on the coding strand, the complement: APOB is on the minus strand). VCF-style: chr2-21002700-A-G. GRCh37 (hg19) VCF-style: chr2-21225572-A-G.
Other names: short protein forms I4241T.
Identifiers: ClinVar variation 2565866 (VCV002565866.3), dbSNP rs372040568, ClinGen allele CA43488686.

ClinVar aggregate classification (germline): Uncertain significance. Review status: criteria provided, multiple submitters, no conflicts (2 of 4 stars). 2 submissions from 2 submitters: Uncertain significance (2). Last evaluated 2025-11-23.

Conditions:
Familial hypobetalipoproteinemia 1. Also called: APOB-Related Familial Hypobetalipoproteinemia; Hypobetalipoproteinemia, normotriglyceridemic; Acanthocytosis with hypobetalipoproteinemia. Identifiers: MedGen C4551990, MONDO:0014252, OMIM 615558.
Hypercholesterolemia, autosomal dominant, type B (FHCL2). Also called: APOLIPOPROTEIN B-100, FAMILIAL DEFECTIVE; APOLIPOPROTEIN B-100, FAMILIAL LIGAND-DEFECTIVE; HYPERCHOLESTEROLEMIA, FAMILIAL, DUE TO LIGAND-DEFECTIVE APOLIPOPROTEIN B; Familial Hypercholesterolemia Type B; Familial hypercholesterolemia 2; APOB-Related Familial Hypercholesterolemia, Autosomal Dominant. Identifiers: MedGen C1704417, MONDO:0007751, OMIM 144010.
Cardiovascular phenotype. Identifiers: MedGen CN230736.

Allele frequency attached by ClinVar (database versions not stated): gnomAD exomes below 0.00001; gnomAD 0.00001; TOPMed 0.00001; ESP Exome Variant Server 0.00008.
gnomAD v4.1: 4 of 1,613,646 alleles (0.00025%); highest among the groups gnomAD compares: Non-Finnish European, 0.00034%; no homozygotes.

Submissions (2):

Labcorp Genetics (formerly Invitae), Labcorp
Classification: Uncertain significance for Familial hypobetalipoproteinemia 1; Hypercholesterolemia, autosomal dominant, type B. Last evaluated: 2025-11-23. Review status: criteria provided, single submitter. Criteria: Invitae Variant Classification Sherloc (09022015). Collection method: clinical testing. Allele origin: germline.
Comment: This sequence change replaces isoleucine, which is neutral and non-polar, with threonine, which is neutral and polar, at codon 4241 of the APOB protein (p.Ile4241Thr). This variant is present in population databases (rs372040568, gnomAD 0.007%). This variant has not been reported in the literature in individuals affected with APOB-related conditions. ClinVar contains an entry for this variant (Variation ID: 2565866). Invitae Evidence Modeling of protein sequence and biophysical properties (such as structural, functional, and spatial information, amino acid conservation, physicochemical variation, residue mobility, and thermodynamic stability) indicates that this missense variant is not expected to disrupt APOB protein function with a negative predictive value of 95%. In summary, the available evidence is currently insufficient to determine the role of this variant in disease. Therefore, it has been classified as a Variant of Uncertain Significance.

Ambry Genetics
Classification: Uncertain significance for Cardiovascular phenotype. Last evaluated: 2023-05-15. Review status: criteria provided, single submitter. Criteria: Ambry Variant Classification Scheme 2023. Collection method: clinical testing. Allele origin: germline.
Comment: The p.I4241T variant (also known as c.12722T>C), located in coding exon 29 of the APOB gene, results from a T to C substitution at nucleotide position 12722. The isoleucine at codon 4241 is replaced by threonine, an amino acid with similar properties. This amino acid position is conserved. In addition, this alteration is predicted to be tolerated by in silico analysis. Since supporting evidence is limited at this time, the clinical significance of this alteration remains unclear.